The following is an entry in ClinVar:

NM_002204.4(ITGA3):c.2904G>A (p.Glu968=)

Gene: ITGA3 (integrin subunit alpha 3; plus strand). Cytogenetic location: 17q21.33.
Variant type: single nucleotide variant.
Coding change: c.2904G>A on transcript NM_002204.4 (MANE Select); coding-DNA position 2904, G replaced by A.
Protein change: p.Glu968=; no amino-acid change (glutamic acid 968 retained).
Molecular consequence: synonymous variant.
Genome position (GRCh38, 1-based): chr17:50,081,393, G>A. VCF-style: chr17-50081393-G-A. GRCh37 (hg19) VCF-style: chr17-48158757-G-A.
Identifiers: ClinVar variation 3030373 (VCV003030373.2), dbSNP rs769013254, ClinGen allele CA8642084.
Genomic context (GRCh38, chr17:50,081,393, plus strand): 5'-CCGGGTAAATGGCTGGGCTACCCTATTCCTCCGAACCAGCATCCCCACCATCAACATGGA[G>A]AACAAGACCACGTGGGTGAGTGCGCATGTTCACTAGGACAGCAGTCTCCAGCCAGAGCTT-3'
Protein context (NP_002195.1, residues 958-978): LRTSIPTINM[Glu968=]NKTTWFSVDI

ClinVar aggregate classification (germline): Likely benign (0 of 4 stars; one submission).

Conditions:
ITGA3-related disorder. Also called: ITGA3-related condition.

Allele frequency attached by ClinVar (database versions not stated): gnomAD 0.00003; TOPMed 0.00003; ExAC 0.00005; gnomAD exomes 0.00005.
gnomAD v4.1: 89 of 1,582,152 alleles (0.0056%); highest among the groups gnomAD compares: Non-Finnish European, 0.0069%; no homozygotes.

Submission:

PreventionGenetics, part of Exact Sciences
Classification: Likely benign for ITGA3-related condition. Last evaluated: 2021-02-28. Review status: no assertion criteria provided. Collection method: clinical testing. Allele origin: germline.
Comment: This variant is classified as likely benign based on ACMG/AMP sequence variant interpretation guidelines (Richards et al. 2015 PMID: 25741868, with internal and published modifications).